The following is an entry in ClinVar:

ClinVar aggregate classification (germline): Uncertain significance. Review status: criteria provided, multiple submitters, no conflicts (2 of 4 stars). 2 submissions from 2 submitters: Uncertain significance (2). Last evaluated 2024-02-20.

Conditions:
Endometrial carcinoma. Also called: Endometrial carcinoma, somatic. Identifiers: MedGen C0476089, MONDO:0002447, OMIM 608089, HP:0012114.
Hereditary nonpolyposis colorectal neoplasms. Identifiers: MedGen C0009405, MeSH D003123.

Submissions (2):

Baylor Genetics
Classification: Uncertain significance for Endometrial carcinoma. Last evaluated: 2024-02-20. Review status: criteria provided, single submitter. Criteria: ACMG Guidelines, 2015. Collection method: clinical testing. Allele origin: unknown.

Labcorp Genetics (formerly Invitae), Labcorp
Classification: Uncertain significance for Hereditary nonpolyposis colorectal neoplasms. Last evaluated: 2019-09-14. Review status: criteria provided, single submitter. Criteria: Invitae Variant Classification Sherloc (09022015). Collection method: clinical testing. Allele origin: germline.
Comment: This sequence change replaces valine with aspartic acid at codon 1350 of the MSH6 protein (p.Val1350Asp). The valine residue is weakly conserved and there is a large physicochemical difference between valine and aspartic acid. In summary, the available evidence is currently insufficient to determine the role of this variant in disease. Therefore, it has been classified as a Variant of Uncertain Significance. Algorithms developed to predict the effect of missense changes on protein structure and function are either unavailable or do not agree on the potential impact of this missense change (SIFT: "Deleterious"; PolyPhen-2: "Benign"; Align-GVGD: "Class C0"). This variant has not been reported in the literature in individuals with MSH6-related conditions. This variant is not present in population databases (ExAC no frequency).

NM_000179.3(MSH6):c.4049T>A (p.Val1350Asp)

Gene: MSH6 (mutS homolog 6; plus strand). Cytogenetic location: 2p16.3.
Variant type: single nucleotide variant.
Coding change: c.4049T>A on transcript NM_000179.3 (MANE Select); coding-DNA position 4049, T replaced by A.
Protein change: p.Val1350Asp; replaces valine 1350 with aspartic acid.
Molecular consequence: missense variant.
Genome position (GRCh38, 1-based): chr2:47,806,826, T>A. VCF-style: chr2-47806826-T-A. GRCh37 (hg19) VCF-style: chr2-48033965-T-A.
Other names: c.3659T>A, p.Val1220Asp (NM_001281492.2); c.3143T>A, p.Val1048Asp (NM_001281493.2, NM_001281494.2); short protein forms V1350D, V1048D, V1220D.
Identifiers: ClinVar variation 935934 (VCV000935934.11), dbSNP rs1670218093, ClinGen allele CA346761712.